The following is an entry in ClinVar:

NM_001015877.2(PHF6):c.508A>G (p.Thr170Ala)

Gene: PHF6 (PHD finger protein 6; plus strand). Cytogenetic location: Xq26.2.
Variant type: single nucleotide variant.
Coding change: c.508A>G on transcript NM_001015877.2 (MANE Select); coding-DNA position 508, A replaced by G.
Protein change: p.Thr170Ala; replaces threonine 170 with alanine.
Molecular consequence: missense variant.
Genome position (GRCh38, 1-based): chrX:134,413,580, A>G. VCF-style: chrX-134413580-A-G. GRCh37 (hg19) VCF-style: chrX-133547610-A-G.
Other names: c.511A>G, p.Thr171Ala (NM_032335.3); c.508A>G, p.Thr170Ala (NM_032458.3); short protein forms T170A, T171A.
Identifiers: ClinVar variation 1305385 (VCV001305385.2), dbSNP rs2124248446, ClinGen allele CA414712570.

ClinVar aggregate classification (germline): Uncertain significance (1 of 4 stars; one submission).

Submission:

GeneDx
Classification: Uncertain significance. Last evaluated: 2019-05-01. Review status: criteria provided, single submitter. Criteria: GeneDx Variant Classification Process June 2021. Collection method: clinical testing. Allele origin: germline. Affected: yes.
Comment: Not observed in large population cohorts (Lek et al., 2016); In silico analysis, which includes protein predictors and evolutionary conservation, supports that this variant does not alter protein structure/function; Has not been previously published as pathogenic or benign to our knowledge